The following is an entry in ClinVar:

NM_001276270.2(MBD4):c.154C>A (p.Gln52Lys)

Gene: MBD4 (methyl-CpG binding domain 4, DNA glycosylase; minus strand). Cytogenetic location: 3q21.3.
Variant type: single nucleotide variant.
Coding change: c.154C>A on transcript NM_001276270.2 (MANE Select); coding-DNA position 154, C replaced by A.
Protein change: p.Gln52Lys; replaces glutamine 52 with lysine.
Molecular consequence: missense variant.
Genome position (GRCh38, 1-based): chr3:129,437,901, G>T on the plus strand (C>A on the coding strand, the complement: MBD4 is on the minus strand). VCF-style: chr3-129437901-G-T. GRCh37 (hg19) VCF-style: chr3-129156744-G-T.
Other names: c.154C>A, p.Gln52Lys (NM_001276271.2, NM_001276272.2, NM_001276273.2 and 1 more transcripts); short protein forms Q52K.
Identifiers: ClinVar variation 4104661 (VCV004104661.1).
Genomic context (GRCh38, chr3:129,437,901, plus strand): 5'-CAGAAGCGATGGGTTCTTGTAGCAAGGGATTACATTCACTGCTTCTTTTTATCATCATTT[G>T]TTCCTCATCTTCTCCCACTCTTTCCAATTCCATAGCAACATCTTCTTTGCTGGAAAAACA-3'
Protein context (NP_001263199.1, residues 42-62): ELERVGEDEE[Gln52Lys]MMIKRSSECN

ClinVar aggregate classification (germline): Uncertain significance (1 of 4 stars; one submission).

Conditions:
Inborn genetic diseases. Identifiers: MedGen C0950123, MeSH D030342.

Submission:

Ambry Genetics
Classification: Uncertain significance for Inborn genetic diseases. Last evaluated: 2025-08-23. Review status: criteria provided, single submitter. Criteria: Ambry Variant Classification Scheme 2023. Collection method: clinical testing. Allele origin: germline.
Comment: The p.Q52K variant (also known as c.154C>A), located in coding exon 2 of the MBD4 gene, results from a C to A substitution at nucleotide position 154. The glutamine at codon 52 is replaced by lysine, an amino acid with similar properties. This amino acid position is conserved. In addition, this alteration is predicted to be tolerated by in silico analysis. Based on the available evidence, the clinical significance of this variant remains unclear.